The following is an entry in ClinVar:

ClinVar aggregate classification (germline): Likely pathogenic (1 of 4 stars; one submission).

Conditions:
Dilated cardiomyopathy 1G (CMD1G). Identifiers: Orphanet 154, MedGen C1858763, MONDO:0011400, OMIM 604145.
Autosomal recessive limb-girdle muscular dystrophy type 2J (LGMDR10). Also called: Limb-girdle muscular dystrophy, type 2J; MUSCULAR DYSTROPHY, LIMB-GIRDLE, AUTOSOMAL RECESSIVE 10. Identifiers: Orphanet 140922, MedGen C1837342, MONDO:0012127, OMIM 608807.

Submission:

Labcorp Genetics (formerly Invitae), Labcorp
Classification: Likely pathogenic for Dilated cardiomyopathy 1G; Autosomal recessive limb-girdle muscular dystrophy type 2J. Last evaluated: 2022-05-25. Review status: criteria provided, single submitter. Criteria: Invitae Variant Classification Sherloc (09022015). Collection method: clinical testing. Allele origin: germline.
Comment: This sequence change creates a premature translational stop signal (p.Gly35873*) in the TTN gene. While this is not anticipated to result in nonsense mediated decay, it is expected to create a truncated TTN protein. This variant is not present in population databases (gnomAD no frequency). This variant has not been reported in the literature in individuals affected with TTN-related conditions. This variant is located in the M band of TTN (PMID: 25589632). Truncating variants in this region have been previously reported in individuals affected with autosomal recessive myopathy and muscular dystrophy (PMID: 18948003, 23975875, 24395473), but have not been definitively shown to cause cardiomyopathy (PMID: 25589632) In summary, the currently available evidence indicates that the variant is pathogenic, but additional data are needed to prove that conclusively. Therefore, this variant has been classified as Likely Pathogenic.

Literature cited by the submitters: PubMed 25589632; PubMed 18948003; PubMed 23975875; PubMed 24395473.

NM_001267550.2(TTN):c.107617G>T (p.Gly35873Ter)

Genes: TTN (titin; minus strand), TTN-AS1 (TTN antisense RNA 1; plus strand). Cytogenetic location: 2q31.2.
Variant type: single nucleotide variant.
Coding change: c.107617G>T on transcript NM_001267550.2 (MANE Select); coding-DNA position 107617, G replaced by T.
Protein change: p.Gly35873Ter; replaces glycine 35873 with a stop codon.
Molecular consequence: nonsense.
Genome position (GRCh38, 1-based): chr2:178,527,509, C>A on the plus strand (G>T on the coding strand, the complement: TTN is on the minus strand). VCF-style: chr2-178527509-C-A. GRCh37 (hg19) VCF-style: chr2-179392236-C-A.
Other names: c.102694G>T, p.Gly34232Ter (NM_001256850.1); c.80422G>T, p.Gly26808Ter (NM_003319.4); c.99913G>T, p.Gly33305Ter (NM_133378.4); c.80797G>T, p.Gly26933Ter (NM_133432.3); c.80998G>T, p.Gly27000Ter (NM_133437.4); short protein forms G26933*, G27000*, G26808*, G35873*, G33305*, G34232*.
Identifiers: ClinVar variation 1998775 (VCV001998775.4), dbSNP rs746548465, ClinGen allele CA349399928.